The following is an entry in ClinVar:

ClinVar aggregate classification (germline): Uncertain significance. Review status: criteria provided, multiple submitters, no conflicts (2 of 4 stars). 2 submissions from 2 submitters: Uncertain significance (2). Last evaluated 2023-12-31.

Allele frequency attached by ClinVar (database versions not stated): ExAC 0.00001.
gnomAD v4.1: 1 of 1,613,406 alleles (0.000062%); highest among the groups gnomAD compares: Non-Finnish European, 0.000085%; no homozygotes.

Submissions (2):

Ambry Genetics
Classification: Uncertain significance. Last evaluated: 2023-12-31. Review status: criteria provided, single submitter. Criteria: Ambry Variant Classification Scheme 2023. Collection method: clinical testing. Allele origin: germline.
Comment: The p.T354S variant (also known as c.1061C>G), located in coding exon 8 of the RECQL gene, results from a C to G substitution at nucleotide position 1061. The threonine at codon 354 is replaced by serine, an amino acid with similar properties. This amino acid position is conserved. In addition, this alteration is predicted to be tolerated by in silico analysis. Since supporting evidence is limited at this time, the clinical significance of this alteration remains unclear.

Labcorp Genetics (formerly Invitae), Labcorp
Classification: Uncertain significance. Last evaluated: 2023-04-28. Review status: criteria provided, single submitter. Criteria: Invitae Variant Classification Sherloc (09022015). Collection method: clinical testing. Allele origin: germline.
Comment: Advanced modeling of protein sequence and biophysical properties (such as structural, functional, and spatial information, amino acid conservation, physicochemical variation, residue mobility, and thermodynamic stability) performed at Invitae indicates that this missense variant is not expected to disrupt RECQL protein function. This sequence change replaces threonine, which is neutral and polar, with serine, which is neutral and polar, at codon 354 of the RECQL protein (p.Thr354Ser). This variant is present in population databases (rs754921985, gnomAD 0.0009%). This variant has not been reported in the literature in individuals affected with RECQL-related conditions. In summary, the available evidence is currently insufficient to determine the role of this variant in disease. Therefore, it has been classified as a Variant of Uncertain Significance.

NM_002907.4(RECQL):c.1061C>G (p.Thr354Ser)

Gene: RECQL (RecQ like helicase; minus strand). Cytogenetic location: 12p12.1.
Variant type: single nucleotide variant.
Coding change: c.1061C>G on transcript NM_002907.4 (MANE Select); coding-DNA position 1061, C replaced by G.
Protein change: p.Thr354Ser; replaces threonine 354 with serine.
Molecular consequence: missense variant.
Genome position (GRCh38, 1-based): chr12:21,475,713, G>C on the plus strand (C>G on the coding strand, the complement: RECQL is on the minus strand). VCF-style: chr12-21475713-G-C. GRCh37 (hg19) VCF-style: chr12-21628647-G-C.
Other names: c.1061C>G (NM_002907.3); c.1061C>G, p.Thr354Ser (NM_032941.3); short protein forms T354S.
Identifiers: ClinVar variation 2794984 (VCV002794984.4), dbSNP rs754921985, ClinGen allele CA6478873.